The following is an entry in ClinVar:

ClinVar aggregate classification (germline): Uncertain significance (1 of 4 stars; one submission).

Submission:

GeneDx
Classification: Uncertain significance. Last evaluated: 2024-04-22. Review status: criteria provided, single submitter. Criteria: GeneDx Variant Classification Process June 2021. Collection method: clinical testing. Allele origin: germline. Affected: yes.
Comment: Not observed at significant frequency in large population cohorts (gnomAD); In silico analysis indicates that this missense variant does not alter protein structure/function; Has not been previously published as pathogenic or benign to our knowledge

NM_014727.3(KMT2B):c.3491C>T (p.Ser1164Phe)

Gene: KMT2B (lysine methyltransferase 2B; plus strand). Cytogenetic location: 19q13.12.
Variant type: single nucleotide variant.
Coding change: c.3491C>T on transcript NM_014727.3 (MANE Select); coding-DNA position 3491, C replaced by T.
Protein change: p.Ser1164Phe; replaces serine 1164 with phenylalanine.
Molecular consequence: missense variant.
Genome position (GRCh38, 1-based): chr19:35,725,050, C>T. VCF-style: chr19-35725050-C-T. GRCh37 (hg19) VCF-style: chr19-36215951-C-T.
Other names: short protein forms S1164F.
Identifiers: ClinVar variation 3372881 (VCV003372881.1).